The following is an entry in ClinVar:

ClinVar aggregate classification (germline): Uncertain significance (1 of 4 stars; one submission).

Conditions:
Nephronophthisis 15 (NPHP15). Identifiers: Orphanet 3156, MedGen C3541853, MONDO:0013917, OMIM 614845.

gnomAD v4.1: 1 of 1,608,604 alleles (0.000062%); highest among the groups gnomAD compares: African/African-American, 0.0013%; no homozygotes.

Submission:

Labcorp Genetics (formerly Invitae), Labcorp
Classification: Uncertain significance for Nephronophthisis 15. Last evaluated: 2022-05-10. Review status: criteria provided, single submitter. Criteria: Invitae Variant Classification Sherloc (09022015). Collection method: clinical testing. Allele origin: germline.
Comment: In summary, the available evidence is currently insufficient to determine the role of this variant in disease. Therefore, it has been classified as a Variant of Uncertain Significance. Variants that disrupt the consensus splice site are a relatively common cause of aberrant splicing (PMID: 17576681, 9536098). Algorithms developed to predict the effect of sequence changes on RNA splicing suggest that this variant may disrupt the consensus splice site. This variant has not been reported in the literature in individuals affected with CEP164-related conditions. This variant is not present in population databases (gnomAD no frequency). This sequence change falls in intron 8 of the CEP164 gene. It does not directly change the encoded amino acid sequence of the CEP164 protein. It affects a nucleotide within the consensus splice site.

Literature cited by the submitters: PubMed 17576681; PubMed 9536098.

NM_014956.5(CEP164):c.765+3A>G

Gene: CEP164 (centrosomal protein 164; plus strand). Cytogenetic location: 11q23.3.
Variant type: single nucleotide variant.
Coding change: c.765+3A>G on transcript NM_014956.5 (MANE Select); 3 bases into the intron after coding-DNA position 765, A replaced by G.
Molecular consequence: intron variant.
Genome position (GRCh38, 1-based): chr11:117,363,509, A>G. VCF-style: chr11-117363509-A-G. GRCh37 (hg19) VCF-style: chr11-117234225-A-G.
Other names: c.765+3A>G (NM_001271933.2).
Identifiers: ClinVar variation 2147309 (VCV002147309.4), dbSNP rs1256710112, ClinGen allele CA2580083666.